The following is an entry in ClinVar:

ClinVar aggregate classification (germline): Uncertain significance (1 of 4 stars; one submission).

Submission:

Labcorp Genetics (formerly Invitae), Labcorp
Classification: Uncertain significance. Last evaluated: 2022-11-08. Review status: criteria provided, single submitter. Criteria: Invitae Variant Classification Sherloc (09022015). Collection method: clinical testing. Allele origin: germline.
Comment: In summary, the available evidence is currently insufficient to determine the role of this variant in disease. Therefore, it has been classified as a Variant of Uncertain Significance. This sequence change affects the initiator methionine of the PIGP mRNA. The next in-frame methionine is located at codon 25. This variant is not present in population databases (gnomAD no frequency). This variant has not been reported in the literature in individuals affected with PIGP-related conditions. ClinVar contains an entry for this variant (Variation ID: 1370432). Experimental studies and prediction algorithms are not available or were not evaluated, and the functional significance of this variant is currently unknown.

NM_153682.3(PIGP):c.-22-48_-22-47insACGAT

Genes: PIGP (phosphatidylinositol glycan anchor biosynthesis class P; minus strand), LOC130066643 (ATAC-STARR-seq lymphoblastoid silent region 13296; plus strand). Cytogenetic location: 21q22.13.
Variant type: Insertion.
Coding change: c.-22-48_-22-47insACGAT on transcript NM_153682.3 (MANE Select); 48 bases into the intron before 22 bases upstream of the start codon through 47 bases into the intron before 22 bases upstream of the start codon, ACGAT inserted.
Molecular consequence: intron variant. On other transcripts: frameshift variant (1), initiator codon variant (1).
Genome position: GRCh38 VCF-style: chr21-37072584-C-CATCGT. GRCh37 (hg19) VCF-style: chr21-38444884-C-CATCGT.
Other names: c.3_4insACGAT, p.Val2fs (NM_153681.2); c.-266-48_-266-47insACGAT (NM_016430.4); c.-22-48_-22-47insACGAT (NM_001320480.2); short protein forms V2fs.
Identifiers: ClinVar variation 1370432 (VCV001370432.6), dbSNP rs748762794, ClinGen allele CA2388299356.